The following is an entry in ClinVar:

ClinVar aggregate classification (germline): Likely benign. Review status: criteria provided, multiple submitters, no conflicts (2 of 4 stars). 2 submissions from 2 submitters: Likely benign (2). Last evaluated 2024-10-12.

Allele frequency attached by ClinVar (database versions not stated): TOPMed 0.00003; ExAC 0.00004; gnomAD 0.00005; gnomAD exomes 0.00010; ESP Exome Variant Server 0.00015.
gnomAD v4.1: 154 of 1,604,224 alleles (0.0096%); highest among the groups gnomAD compares: Non-Finnish European, 0.013%; no homozygotes.

Submissions (2):

Labcorp Genetics (formerly Invitae), Labcorp
Classification: Likely benign. Last evaluated: 2024-10-12. Review status: criteria provided, single submitter. Criteria: Invitae Variant Classification Sherloc (09022015). Collection method: clinical testing. Allele origin: germline.

CeGaT Center for Human Genetics Tuebingen
Classification: Likely benign. Last evaluated: 2024-01-01. Review status: criteria provided, single submitter. Criteria: CeGaT Center For Human Genetics Tuebingen Variant Classification Criteria Version 2. Collection method: clinical testing. Allele origin: germline. Affected: yes. Observed: 1 variant allele.
Comment: BPTF: BP4, BP7

NM_182641.4(BPTF):c.1864+609A>G

Gene: BPTF (bromodomain PHD finger transcription factor; plus strand). Cytogenetic location: 17q24.2.
Variant type: single nucleotide variant.
Coding change: c.1864+609A>G on transcript NM_182641.4 (MANE Select); 609 bases into the intron after coding-DNA position 1864, A replaced by G.
Molecular consequence: intron variant. On other transcripts: synonymous variant (1).
Genome position (GRCh38, 1-based): chr17:67,875,629, A>G. VCF-style: chr17-67875629-A-G. GRCh37 (hg19) VCF-style: chr17-65871745-A-G.
Other names: c.1938A>G, p.Ser646= (NM_004459.7).
Identifiers: ClinVar variation 3026015 (VCV003026015.24), dbSNP rs147356560, ClinGen allele CA8725258.